The following is an entry in ClinVar:

ClinVar aggregate classification (germline): Pathogenic (1 of 4 stars; one submission).

Allele frequency attached by ClinVar (database versions not stated): gnomAD exomes below 0.00001.
gnomAD v4.1: 2 of 1,614,152 alleles (0.00012%); highest among the groups gnomAD compares: Non-Finnish European, 0.00017%; no homozygotes.

Submission:

Labcorp Genetics (formerly Invitae), Labcorp
Classification: Pathogenic. Last evaluated: 2021-10-20. Review status: criteria provided, single submitter. Criteria: Invitae Variant Classification Sherloc (09022015). Collection method: clinical testing. Allele origin: germline.
Comment: This variant has not been reported in the literature in individuals affected with P3H2-related conditions. This variant is not present in population databases (gnomAD no frequency). This sequence change creates a premature translational stop signal (p.Glu504*) in the P3H2 gene. It is expected to result in an absent or disrupted protein product. Loss-of-function variants in P3H2 are known to be pathogenic (PMID: 24172257, 25469533). For these reasons, this variant has been classified as Pathogenic.

Literature cited by the submitters: PubMed 24172257; PubMed 25469533.

NM_018192.4(P3H2):c.1510G>T (p.Glu504Ter)

Gene: P3H2 (prolyl 3-hydroxylase 2; minus strand). Cytogenetic location: 3q28.
Variant type: single nucleotide variant.
Coding change: c.1510G>T on transcript NM_018192.4 (MANE Select); coding-DNA position 1510, G replaced by T.
Protein change: p.Glu504Ter; replaces glutamic acid 504 with a stop codon.
Molecular consequence: nonsense.
Genome position (GRCh38, 1-based): chr3:189,973,947, C>A on the plus strand (G>T on the coding strand, the complement: P3H2 is on the minus strand). VCF-style: chr3-189973947-C-A. GRCh37 (hg19) VCF-style: chr3-189691736-C-A.
Other names: c.967G>T, p.Glu323Ter (NM_001134418.2); short protein forms E323*, E504*.
Identifiers: ClinVar variation 1456796 (VCV001456796.6), dbSNP rs2108909805, ClinGen allele CA355753727.